The following is an entry in ClinVar:

ClinVar aggregate classification (germline): Uncertain significance (1 of 4 stars; one submission).

Conditions:
Xeroderma pigmentosum, group F (XPF). Also called: XERODERMA PIGMENTOSUM, COMPLEMENTATION GROUP F; XERODERMA PIGMENTOSUM VI; XP, GROUP F; ERCC4-Related Xeroderma Pigmentosum; XERODERMA PIGMENTOSUM, TYPE F; Xeroderma pigmentosum, type 6. Identifiers: MedGen C0268140, MONDO:0010215, OMIM 278760.
Cockayne syndrome. Identifiers: Orphanet 191, MedGen C0009207, MONDO:0016006.
Fanconi anemia complementation group Q. Identifiers: Orphanet 84, MedGen C3808988, MONDO:0014108, OMIM 615272.

Submission:

Labcorp Genetics (formerly Invitae), Labcorp
Classification: Uncertain significance for Fanconi anemia complementation group Q; Xeroderma pigmentosum, group F; Cockayne syndrome. Last evaluated: 2022-01-27. Review status: criteria provided, single submitter. Criteria: Invitae Variant Classification Sherloc (09022015). Collection method: clinical testing. Allele origin: germline.
Comment: This sequence change replaces aspartic acid, which is acidic and polar, with asparagine, which is neutral and polar, at codon 251 of the ERCC4 protein (p.Asp251Asn). This variant is not present in population databases (gnomAD no frequency). This variant has not been reported in the literature in individuals affected with ERCC4-related conditions. ClinVar contains an entry for this variant (Variation ID: 858142). Algorithms developed to predict the effect of missense changes on protein structure and function are either unavailable or do not agree on the potential impact of this missense change (SIFT: "Tolerated"; PolyPhen-2: "Probably Damaging"; Align-GVGD: "Class C0"). In summary, the available evidence is currently insufficient to determine the role of this variant in disease. Therefore, it has been classified as a Variant of Uncertain Significance.

NM_005236.3(ERCC4):c.751G>A (p.Asp251Asn)

Gene: ERCC4 (ERCC excision repair 4, endonuclease catalytic subunit; plus strand). Cytogenetic location: 16p13.12.
Variant type: single nucleotide variant.
Coding change: c.751G>A on transcript NM_005236.3 (MANE Select); coding-DNA position 751, G replaced by A.
Protein change: p.Asp251Asn; replaces aspartic acid 251 with asparagine.
Molecular consequence: missense variant.
Genome position (GRCh38, 1-based): chr16:13,928,194, G>A. VCF-style: chr16-13928194-G-A. GRCh37 (hg19) VCF-style: chr16-14022051-G-A.
Other names: short protein forms D251N.
Identifiers: ClinVar variation 858142 (VCV000858142.9), dbSNP rs2032106630, ClinGen allele CA394803071.
Genomic context (GRCh38, chr16:13,928,194, plus strand): 5'-GACATTTTAAATGCATGTCTAAAGGAACTAAAATGCCATAACCCATCGCTTGAAGTGGAA[G>A]ATTTATCTTTAGAAAATGCTATTGGAAAACCTTTTGACAAGGTACTCTTTTTCCTTTTAA-3'
Protein context (NP_005227.1, residues 241-261): KCHNPSLEVE[Asp251Asn]LSLENAIGKP